The following is an entry in ClinVar:

ClinVar aggregate classification (germline): Uncertain significance. Review status: criteria provided, single submitter (1 of 4 stars). 2 submissions from 2 submitters: Uncertain significance (1). 1 of the submissions does not count toward it. Last evaluated 2023-11-29.

Conditions:
ABCB4-related disorder. Also called: ABCB4-related disorders; ABCB4-related condition.

Allele frequency attached by ClinVar (database versions not stated): gnomAD exomes below 0.00001; ExAC 0.00002; TOPMed 0.00002.
gnomAD v4.1: 5 of 1,612,576 alleles (0.00031%); highest among the groups gnomAD compares: East Asian, 0.0022%; no homozygotes.

Submissions (2):

Blueprint Genetics
Classification: Uncertain significance. Last evaluated: 2023-11-29. Review status: criteria provided, single submitter. Criteria: ACMG Guidelines, 2015. Collection method: clinical testing. Allele origin: germline.

PreventionGenetics, part of Exact Sciences
Classification: Uncertain significance for ABCB4-related condition. Last evaluated: 2023-12-04. Review status: no assertion criteria provided. Collection method: clinical testing. Allele origin: germline. Not counted in ClinVar's aggregate classification.
Comment: The ABCB4 c.3280-2A>G variant is predicted to disrupt the AG splice acceptor site and interfere with normal splicing. However, this transcript is expressed at relatively low levels in most adult tissues (NM_018849.2, https). In the primary transcript this variant is deep intronic (NM_000443.3:c.3280-23A>G). To our knowledge, this variant has not been reported in the literature. While loss-of-function variants in the ABCB4 transcript designated NM_000443.3 have been reported as causative for ABCB4-related disease (see Human Gene Mutation database, HGMD), the role of such variants in the NM_018849.2 transcript is not clear. This variant is reported in 0.011% of alleles in individuals of East Asian descent in gnomAD. At this time, the clinical significance of this variant is uncertain due to the absence of conclusive functional and genetic evidence.

NM_000443.4(ABCB4):c.3280-23A>G

Gene: ABCB4 (ATP binding cassette subfamily B member 4; minus strand). Cytogenetic location: 7q21.12.
Variant type: single nucleotide variant.
Coding change: c.3280-23A>G on transcript NM_000443.4 (MANE Select); 23 bases into the intron before coding-DNA position 3280, A replaced by G.
Molecular consequence: intron variant. On other transcripts: splice acceptor variant (1).
Genome position (GRCh38, 1-based): chr7:87,406,517, T>C on the plus strand (A>G on the coding strand, the complement: ABCB4 is on the minus strand). VCF-style: chr7-87406517-T-C. GRCh37 (hg19) VCF-style: chr7-87035833-T-C.
Other names: c.3139-23A>G (NM_018850.3); c.3280-2A>G (NM_018849.3).
Identifiers: ClinVar variation 2634769 (VCV002634769.4), dbSNP rs764071235, ClinGen allele CA4326801.